The following is an entry in ClinVar:

NM_012463.4(ATP6V0A2):c.1152T>C (p.Asp384=)

Gene: ATP6V0A2 (ATPase H+ transporting V0 subunit a2; plus strand). Cytogenetic location: 12q24.31.
Variant type: single nucleotide variant.
Coding change: c.1152T>C on transcript NM_012463.4 (MANE Select); coding-DNA position 1152, T replaced by C.
Protein change: p.Asp384=; no amino-acid change (aspartic acid 384 retained).
Molecular consequence: synonymous variant.
Genome position (GRCh38, 1-based): chr12:123,743,898, T>C. VCF-style: chr12-123743898-T-C. GRCh37 (hg19) VCF-style: chr12-124228445-T-C.
Identifiers: ClinVar variation 2643519 (VCV002643519.24), dbSNP rs2541863760, ClinGen allele CA482270886.

ClinVar aggregate classification (germline): Likely benign (1 of 4 stars; one submission).

Submission:

CeGaT Center for Human Genetics Tuebingen
Classification: Likely benign. Last evaluated: 2022-09-01. Review status: criteria provided, single submitter. Criteria: CeGaT Center For Human Genetics Tuebingen Variant Classification Criteria Version 2. Collection method: clinical testing. Allele origin: germline. Affected: yes. Observed: 1 variant allele.
Comment: ATP6V0A2: PM2:Supporting, BP4, BP7